The following is an entry in ClinVar:

ClinVar aggregate classification (germline): Uncertain significance (1 of 4 stars; one submission).

Conditions:
Familial encephalopathy with neuroserpin inclusion bodies. Also called: ENCEPHALOPATHY, FAMILIAL, WITH COLLINS BODIES. Identifiers: Orphanet 85110, MedGen C1858680, MONDO:0011412, OMIM 604218.

Allele frequency attached by ClinVar (database versions not stated): gnomAD exomes below 0.00001; ExAC 0.00002.
gnomAD v4.1: 4 of 1,606,916 alleles (0.00025%); highest among the groups gnomAD compares: Non-Finnish European, 0.00034%; no homozygotes.

Submission:

Labcorp Genetics (formerly Invitae), Labcorp
Classification: Uncertain significance for Familial encephalopathy with neuroserpin inclusion bodies. Last evaluated: 2022-06-10. Review status: criteria provided, single submitter. Criteria: Invitae Variant Classification Sherloc (09022015). Collection method: clinical testing. Allele origin: germline.
Comment: This sequence change replaces serine, which is neutral and polar, with leucine, which is neutral and non-polar, at codon 349 of the SERPINI1 protein (p.Ser349Leu). This variant is present in population databases (rs764995450, gnomAD 0.003%). In summary, the available evidence is currently insufficient to determine the role of this variant in disease. Therefore, it has been classified as a Variant of Uncertain Significance. Advanced modeling of protein sequence and biophysical properties (such as structural, functional, and spatial information, amino acid conservation, physicochemical variation, residue mobility, and thermodynamic stability) performed at Invitae indicates that this missense variant is not expected to disrupt SERPINI1 protein function. This variant has not been reported in the literature in individuals affected with SERPINI1-related conditions.

NM_001122752.2(SERPINI1):c.1046C>T (p.Ser349Leu)

Gene: SERPINI1 (serpin family I member 1; plus strand). Cytogenetic location: 3q26.1.
Variant type: single nucleotide variant.
Coding change: c.1046C>T on transcript NM_001122752.2 (MANE Select); coding-DNA position 1046, C replaced by T.
Protein change: p.Ser349Leu; replaces serine 349 with leucine.
Molecular consequence: missense variant.
Genome position (GRCh38, 1-based): chr3:167,823,052, C>T. VCF-style: chr3-167823052-C-T. GRCh37 (hg19) VCF-style: chr3-167540840-C-T.
Other names: c.1046C>T, p.Ser349Leu (NM_005025.5); short protein forms S349L.
Identifiers: ClinVar variation 2004369 (VCV002004369.4), dbSNP rs764995450, ClinGen allele CA2694965.